The following is an entry in ClinVar:

ClinVar aggregate classification (germline): Pathogenic (1 of 4 stars; one submission).

Conditions:
Multiple acyl-CoA dehydrogenase deficiency (MADD). Also called: Glutaric aciduria, type 2; Glutaric acidemia type II; GA 2; ETHYLMALONIC-ADIPICACIDURIA; GA II; Glutaric Acidemia type 2. Identifiers: Orphanet 26791, MedGen C0268596, MONDO:0009282, OMIM 231680.

Submission:

Labcorp Genetics (formerly Invitae), Labcorp
Classification: Pathogenic for Multiple acyl-CoA dehydrogenase deficiency. Last evaluated: 2022-07-23. Review status: criteria provided, single submitter. Criteria: Invitae Variant Classification Sherloc (09022015). Collection method: clinical testing. Allele origin: germline.
Comment: This variant is a gross deletion of the genomic region encompassing exon(s) 3-5 of the ETFA gene. This deletion is out-of-frame, and is expected to create a premature termination codon and result in an absent or disrupted protein product. Loss-of-function variants in ETFA are known to be pathogenic (PMID: 16510302, 23785301). This variant has not been reported in the literature in individuals affected with ETFA-related conditions. For these reasons, this variant has been classified as Pathogenic.

Literature cited by the submitters: PubMed 16510302; PubMed 23785301.

NC_000015.9:g.(?_76580177)_(76585051_?)del

Gene: ETFA (electron transfer flavoprotein subunit alpha; minus strand). Cytogenetic location: 15q24.2.
Variant type: Deletion.
Identifiers: ClinVar variation 2422389 (VCV002422389.4).